The following is an entry in ClinVar:

NM_000548.5(TSC2):c.481+9C>T

Gene: TSC2 (TSC complex subunit 2; plus strand). Cytogenetic location: 16p13.3.
Variant type: single nucleotide variant.
Coding change: c.481+9C>T on transcript NM_000548.5 (MANE Select); 9 bases into the intron after coding-DNA position 481, C replaced by T.
Molecular consequence: intron variant.
Genome position (GRCh38, 1-based): chr16:2,054,449, C>T. VCF-style: chr16-2054449-C-T. GRCh37 (hg19) VCF-style: chr16-2104450-C-T.
Other names: c.481+9C>T (NM_000548.4, NM_001114382.3, NM_021055.3 and 4 more transcripts); c.370+9C>T (NM_001318827.2); c.-1-1747C>T (NM_001318831.2); c.334+9C>T (NM_001318829.2); c.514+9C>T (NM_001318832.2).
Identifiers: ClinVar variation 468114 (VCV000468114.19), dbSNP rs201026150, ClinGen allele CA276771565.
Genomic context (GRCh38, chr16:2,054,449, plus strand): 5'-AAGGCCCTCACAGACAATGGGAGACACATCACCTACTTGGAGGAAGAGCTGGGTGGGTGC[C>T]ACCTTGGGTTGGAGGTTTCTCTGGCCTTGACGATCAAGTGTAACCTGGATGGGAAGGACC-3'

ClinVar aggregate classification (germline): Benign/Likely benign. Review status: criteria provided, multiple submitters, no conflicts (2 of 4 stars). 7 submissions from 7 submitters: Benign (2); Likely benign (5). Last evaluated 2026-01-14.

Conditions:
Tuberous sclerosis 2 (TSC2). Identifiers: Orphanet 805, MedGen C1860707, MONDO:0013199, OMIM 613254.

Allele frequency attached by ClinVar (database versions not stated): gnomAD 0.00001; gnomAD exomes 0.00001 and 0.00002; TOPMed 0.00002.

Submissions (7):

Labcorp Genetics (formerly Invitae), Labcorp
Classification: Benign for Tuberous sclerosis 2. Last evaluated: 2026-01-14. Review status: criteria provided, single submitter. Criteria: Invitae Variant Classification Sherloc (09022015). Collection method: clinical testing. Allele origin: germline.

Myriad Genetics, Inc.
Classification: Likely benign for Tuberous sclerosis 2. Last evaluated: 2025-05-05. Review status: criteria provided, single submitter. Criteria: Myriad Autosomal Dominant, Autosomal Recessive and X-Linked Classification Criteria (2023). Collection method: clinical testing. Allele origin: unknown.
Comment: This variant is considered likely benign. This variant is intronic and is not expected to impact mRNA splicing.

Blueprint Genetics
Classification: Likely benign. Last evaluated: 2024-03-02. Review status: criteria provided, single submitter. Criteria: ACMG Guidelines, 2015. Collection method: clinical testing. Allele origin: germline.

KCCC/NGS Laboratory, Kuwait Cancer Control Center
Classification: Likely benign for Tuberous sclerosis 2. Last evaluated: 2023-07-07. Review status: criteria provided, single submitter. Criteria: ACMG Guidelines, 2015. Collection method: clinical testing. Allele origin: germline. Affected: yes.

ARUP Laboratories, Molecular Genetics and Genomics, ARUP Laboratories
Classification: Likely benign. Last evaluated: 2022-05-20. Review status: criteria provided, single submitter. Criteria: ARUP Molecular Germline Variant Investigation Process 2021. Collection method: clinical testing. Allele origin: germline.

Genome-Nilou Lab
Classification: Benign for Tuberous sclerosis 2. Last evaluated: 2021-11-07. Review status: criteria provided, single submitter. Criteria: ACMG Guidelines, 2015. Collection method: clinical testing. Allele origin: germline. Affected: no.

GeneDx
Classification: Likely benign. Last evaluated: 2017-05-18. Review status: criteria provided, single submitter. Criteria: GeneDx Variant Classification (06012015). Collection method: clinical testing. Allele origin: germline. Affected: yes.
Comment: This variant is considered likely benign or benign based on one or more of the following criteria: it is a conservative change, it occurs at a poorly conserved position in the protein, it is predicted to be benign by multiple in silico algorithms, and/or has population frequency not consistent with disease.